The following is an entry in ClinVar:

NM_004859.4(CLTC):c.4565A>G (p.Lys1522Arg)

Genes: CLTC (clathrin heavy chain; plus strand), LOC125177523 (Sharpr-MPRA regulatory region 12460; plus strand). Cytogenetic location: 17q23.1.
Variant type: single nucleotide variant.
Coding change: c.4565A>G on transcript NM_004859.4 (MANE Select); coding-DNA position 4565, A replaced by G.
Protein change: p.Lys1522Arg; replaces lysine 1522 with arginine.
Molecular consequence: missense variant.
Genome position (GRCh38, 1-based): chr17:59,685,186, A>G. VCF-style: chr17-59685186-A-G. GRCh37 (hg19) VCF-style: chr17-57762547-A-G.
Other names: c.4577A>G, p.Lys1526Arg (NM_001288653.2); short protein forms K1522R, K1526R.
Identifiers: ClinVar variation 3902842 (VCV003902842.1).
Genomic context (GRCh38, chr17:59,685,186, plus strand): 5'-ATGAACTCATTGAGTTCAGGAGAATTGCTGCTTATCTCTTCAAAGGCAACAATCGCTGGA[A>G]ACAGAGTGTAGAGCTGTGCAAGAAAGACAGCCTTTACAAGGTTGATAAAGTTGCGGGGCA-3'
Protein context (NP_004850.1, residues 1512-1532): AYLFKGNNRW[Lys1522Arg]QSVELCKKDS

ClinVar aggregate classification (germline): Uncertain significance (1 of 4 stars; one submission).

Submission:

GeneDx
Classification: Uncertain significance. Last evaluated: 2024-12-09. Review status: criteria provided, single submitter. Criteria: GeneDx Variant Classification Process June 2021. Collection method: clinical testing. Allele origin: germline. Affected: yes.
Comment: Not observed at significant frequency in large population cohorts (gnomAD); In silico analysis indicates that this missense variant does not alter protein structure/function; Has not been previously published as pathogenic or benign to our knowledge